The following is an entry in ClinVar:

NM_015378.4(VPS13D):c.925G>A (p.Val309Met)

Gene: VPS13D (vacuolar protein sorting 13 homolog D; plus strand). Cytogenetic location: 1p36.22.
Variant type: single nucleotide variant.
Coding change: c.925G>A on transcript NM_015378.4 (MANE Select); coding-DNA position 925, G replaced by A.
Protein change: p.Val309Met; replaces valine 309 with methionine.
Molecular consequence: missense variant.
Genome position (GRCh38, 1-based): chr1:12,257,071, G>A. VCF-style: chr1-12257071-G-A. GRCh37 (hg19) VCF-style: chr1-12317128-G-A.
Other names: c.925G>A, p.Val309Met (NM_018156.4); short protein forms V309M.
Identifiers: ClinVar variation 1702703 (VCV001702703.2), dbSNP rs944352155, ClinGen allele CA18026053.

ClinVar aggregate classification (germline): Uncertain significance (1 of 4 stars; one submission).

Allele frequency attached by ClinVar (database versions not stated): gnomAD exomes below 0.00001; TOPMed 0.00001.
gnomAD v4.1: 2 of 1,614,138 alleles (0.00012%); highest among the groups gnomAD compares: Non-Finnish European, 0.00017%; no homozygotes.

Submission:

GeneDx
Classification: Uncertain significance. Last evaluated: 2022-02-16. Review status: criteria provided, single submitter. Criteria: GeneDx Variant Classification Process June 2021. Collection method: clinical testing. Allele origin: germline. Affected: yes.
Comment: Not observed at significant frequency in large population cohorts (gnomAD); In silico analysis supports that this missense variant does not alter protein structure/function; Has not been previously published as pathogenic or benign to our knowledge